The following is an entry in ClinVar:

ClinVar aggregate classification (germline): Uncertain significance (1 of 4 stars; one submission).

Conditions:
Progressive microcephaly-seizures-cortical blindness-developmental delay syndrome. Also called: Seizures, cortical blindness, and microcephaly syndrome. Identifiers: Orphanet 477814, MedGen C5567650, MONDO:0014714, OMIM 616632.
Autosomal dominant nonsyndromic hearing loss 1. Also called: KONIGSMARK SYNDROME; DEAFNESS, AUTOSOMAL DOMINANT 1, WITH OR WITHOUT THROMBOCYTOPENIA. Identifiers: Orphanet 90635, MedGen C1852282, MONDO:0007424, OMIM 124900.

gnomAD v4.1: 5 of 1,548,378 alleles (0.00032%); highest among the groups gnomAD compares: Non-Finnish European, 0.00026%; no homozygotes.

Submission:

Labcorp Genetics (formerly Invitae), Labcorp
Classification: Uncertain significance for Progressive microcephaly-seizures-cortical blindness-developmental delay syndrome; Autosomal dominant nonsyndromic hearing loss 1. Last evaluated: 2022-08-31. Review status: criteria provided, single submitter. Criteria: Invitae Variant Classification Sherloc (09022015). Collection method: clinical testing. Allele origin: germline.
Comment: In summary, the available evidence is currently insufficient to determine the role of this variant in disease. Therefore, it has been classified as a Variant of Uncertain Significance. Algorithms developed to predict the effect of missense changes on protein structure and function output the following: SIFT: "Deleterious"; PolyPhen-2: "Not Available"; Align-GVGD: "Class C0". The serine amino acid residue is found in multiple mammalian species, which suggests that this missense change does not adversely affect protein function. This variant has not been reported in the literature in individuals affected with DIAPH1-related conditions. The frequency data for this variant in the population databases is considered unreliable, as metrics indicate poor data quality at this position in the gnomAD database. This sequence change replaces proline, which is neutral and non-polar, with serine, which is neutral and polar, at codon 616 of the DIAPH1 protein (p.Pro616Ser).

NM_005219.5(DIAPH1):c.1846C>T (p.Pro616Ser)

Gene: DIAPH1 (diaphanous related formin 1; minus strand). Cytogenetic location: 5q31.3.
Variant type: single nucleotide variant.
Coding change: c.1846C>T on transcript NM_005219.5 (MANE Select); coding-DNA position 1846, C replaced by T.
Protein change: p.Pro616Ser; replaces proline 616 with serine.
Molecular consequence: missense variant.
Genome position (GRCh38, 1-based): chr5:141,574,004, G>A on the plus strand (C>T on the coding strand, the complement: DIAPH1 is on the minus strand). VCF-style: chr5-141574004-G-A. GRCh37 (hg19) VCF-style: chr5-140953571-G-A.
Other names: c.1819C>T, p.Pro607Ser (NM_001079812.3); c.1846C>T, p.Pro616Ser (NM_001314007.2); short protein forms P616S, P607S.
Identifiers: ClinVar variation 2052950 (VCV002052950.4), dbSNP rs1436359093, ClinGen allele CA361520683.
Genomic context (GRCh38, chr5:141,574,004, plus strand): 5'-CTCCAGGTAAAGAAGGGGGTGAGGAGATGCAAACACCCCCAGGCAAAGGAGGTGGAGGAG[G>A]AGGAGGAGGAGGAGGAGGAGGAGGAGTGGTACTATCCCCAGGAGCAGGTGGTGGTGGAAT-3'
Protein context (NP_005210.3, residues 606-626): TTPPPPPPPP[Pro616Ser]PPPPLPGGVC